The following is an entry in ClinVar:

NM_000289.6(PFKM):c.1200G>A (p.Ser400=)

Gene: PFKM (phosphofructokinase, muscle; plus strand). Cytogenetic location: 12q13.11.
Variant type: single nucleotide variant.
Coding change: c.1200G>A on transcript NM_000289.6 (MANE Select); coding-DNA position 1200, G replaced by A.
Protein change: p.Ser400=; no amino-acid change (serine 400 retained).
Molecular consequence: synonymous variant. On other transcripts: non-coding transcript variant (6).
Genome position (GRCh38, 1-based): chr12:48,140,730, G>A. VCF-style: chr12-48140730-G-A. GRCh37 (hg19) VCF-style: chr12-48534513-G-A.
Other names: c.1413G>A, p.Ser471= (NM_001166686.2, NM_001354737.1, NM_001354738.1 and 1 more transcripts); c.1200G>A, p.Ser400= (NM_001166687.2, NM_001166688.2, NM_001354742.2 and 2 more transcripts); c.1509G>A, p.Ser503= (NM_001354735.1, NM_001354736.1); c.1344G>A, p.Ser448= (NM_001354740.1); c.1224G>A, p.Ser408= (NM_001354741.2); c.1113G>A, p.Ser371= (NM_001354745.2); c.1074G>A, p.Ser358= (NM_001354746.2); c.1050G>A, p.Ser350= (NM_001354747.2, NM_001354748.2); and 2 more.
Identifiers: ClinVar variation 1148247 (VCV001148247.12), dbSNP rs746775189, ClinGen allele CA6537284.

ClinVar aggregate classification (germline): Likely benign. Review status: criteria provided, multiple submitters, no conflicts (2 of 4 stars). 3 submissions from 3 submitters: Likely benign (2). 1 of the submissions does not count toward it. Last evaluated 2026-01-14.

Conditions:
PFKM-related disorder. Also called: PFKM-related condition.
Glycogen storage disease, type VII (GSD7). Also called: GSD VII; MUSCLE PHOSPHOFRUCTOKINASE DEFICIENCY; PFKM DEFICIENCY; TARUI DISEASE. Identifiers: Orphanet 371, MedGen C0017926, MONDO:0009295, OMIM 232800.

Allele frequency attached by ClinVar (database versions not stated): ExAC 0.00001; TOPMed 0.00001; gnomAD 0.00002 and 0.00003; gnomAD exomes 0.00002.
gnomAD v4.1: 28 of 1,613,992 alleles (0.0017%); highest among the groups gnomAD compares: Admixed American, 0.0083%; no homozygotes.

Submissions (3):

Labcorp Genetics (formerly Invitae), Labcorp
Classification: Likely benign for Glycogen storage disease, type VII. Last evaluated: 2026-01-14. Review status: criteria provided, single submitter. Criteria: Invitae Variant Classification Sherloc (09022015). Collection method: clinical testing. Allele origin: germline.

Blueprint Genetics
Classification: Likely benign. Last evaluated: 2021-12-20. Review status: criteria provided, single submitter. Criteria: ACMG Guidelines, 2015. Collection method: clinical testing. Allele origin: germline.

PreventionGenetics, part of Exact Sciences
Classification: Likely benign for PFKM-related condition. Last evaluated: 2019-08-22. Review status: no assertion criteria provided. Collection method: clinical testing. Allele origin: germline. Not counted in ClinVar's aggregate classification.
Comment: This variant is classified as likely benign based on ACMG/AMP sequence variant interpretation guidelines (Richards et al. 2015 PMID: 25741868, with internal and published modifications).